The following is an entry in ClinVar:

NM_015178.3(RHOBTB2):c.861C>G (p.Thr287=)

Gene: RHOBTB2 (Rho related BTB domain containing 2; plus strand). Cytogenetic location: 8p21.3.
Variant type: single nucleotide variant.
Coding change: c.861C>G on transcript NM_015178.3 (MANE Select); coding-DNA position 861, C replaced by G.
Protein change: p.Thr287=; no amino-acid change (threonine 287 retained).
Molecular consequence: synonymous variant.
Genome position (GRCh38, 1-based): chr8:23,007,106, C>G. VCF-style: chr8-23007106-C-G. GRCh37 (hg19) VCF-style: chr8-22864619-C-G.
Other names: c.927C>G, p.Thr309= (NM_001160036.2); c.882C>G, p.Thr294= (NM_001160037.2); c.861C>G, p.Thr287= (NM_001374791.1).
Identifiers: ClinVar variation 2658475 (VCV002658475.24), dbSNP rs1404961368, ClinGen allele CA460178108.

ClinVar aggregate classification (germline): Likely benign (1 of 4 stars; one submission).

Allele frequency attached by ClinVar (database versions not stated): gnomAD 0.00001.
gnomAD v4.1: 2 of 1,610,796 alleles (0.00012%); highest among the groups gnomAD compares: Non-Finnish European, 0.00017%; no homozygotes.

Submission:

CeGaT Center for Human Genetics Tuebingen
Classification: Likely benign. Last evaluated: 2022-06-01. Review status: criteria provided, single submitter. Criteria: CeGaT Center For Human Genetics Tuebingen Variant Classification Criteria Version 2. Collection method: clinical testing. Allele origin: germline. Affected: yes. Observed: 1 variant allele.
Comment: RHOBTB2: BP4, BP7